The following is an entry in ClinVar:

ClinVar aggregate classification (germline): Pathogenic (1 of 4 stars; one submission).

Conditions:
Methylcobalamin deficiency type cblG (HMAG). Also called: HOMOCYSTINURIA-MEGALOBLASTIC ANEMIA, cblG COMPLEMENTATION TYPE; Functional methionine synthase deficiency type cblG; HOMOCYSTINURIA-MEGALOBLASTIC ANEMIA, cblG TYPE; HOMOCYSTINURIA-MEGALOBLASTIC ANEMIA DUE TO DEFECT IN COBALAMIN METABOLISM, cblG COMPLEMENTATION TYPE. Identifiers: Orphanet 2170, Orphanet 622, MedGen C1855128, MONDO:0009609, OMIM 250940.

Submission:

Labcorp Genetics (formerly Invitae), Labcorp
Classification: Pathogenic for Methylcobalamin deficiency type cblG. Last evaluated: 2020-05-13. Review status: criteria provided, single submitter. Criteria: Invitae Variant Classification Sherloc (09022015). Collection method: clinical testing. Allele origin: germline.
Comment: For these reasons, this variant has been classified as Pathogenic. Loss-of-function variants in MTR are known to be pathogenic (PMID: 9683607, 12068375). This variant has not been reported in the literature in individuals with MTR-related disease. A gross deletion of the genomic region encompassing the full coding sequence of the MTR gene has been identified. The boundaries of this event are unknown as the deletion extends beyond the assayed region for this gene and therefore may encompass additional genes.

Literature cited by the submitters: PubMed 9683607; PubMed 12068375.

NC_000001.11:g.(?_236795684)_(236897664_?)del

Genes: MTR (5-methyltetrahydrofolate-homocysteine methyltransferase; plus strand), LOC122152347 (Sharpr-MPRA regulatory region 3741; plus strand), LOC129932886 (ATAC-STARR-seq lymphoblastoid active region 2827; plus strand). Cytogenetic location: 1q43.
Variant type: Deletion.
Identifiers: ClinVar variation 534574 (VCV000534574.6).